The following is an entry in ClinVar:

NM_015135.3(NUP205):c.3535C>T (p.Arg1179Cys)

Gene: NUP205 (nucleoporin 205; plus strand). Cytogenetic location: 7q33.
Variant type: single nucleotide variant.
Coding change: c.3535C>T on transcript NM_015135.3 (MANE Select); coding-DNA position 3535, C replaced by T.
Protein change: p.Arg1179Cys; replaces arginine 1179 with cysteine.
Molecular consequence: missense variant.
Genome position (GRCh38, 1-based): chr7:135,617,092, C>T. VCF-style: chr7-135617092-C-T. GRCh37 (hg19) VCF-style: chr7-135301840-C-T.
Other names: c.2461C>T, p.Arg821Cys (NM_001329434.2); c.3535C>T (NM_015135.2); short protein forms R821C, R1179C.
Identifiers: ClinVar variation 2738352 (VCV002738352.2), dbSNP rs749638067, ClinGen allele CA4498649.
Genomic context (GRCh38, chr7:135,617,092, plus strand): 5'-GGCTTGCCTTTCTTTTCAATGTCCCAAGTAAAATCAAATTACTTTTTATTATTTCTAGTA[C>T]GTCGAAAAATTCTAAATATTCTTGACTCGATTGACTTCAGTCAGGAGATCCCTGAGCCTT-3'
Protein context (NP_055950.2, residues 1169-1189): FLHFDTATKV[Arg1179Cys]RKILNILDSI

ClinVar aggregate classification (germline): Uncertain significance. Review status: criteria provided, multiple submitters, no conflicts (2 of 4 stars). 2 submissions from 2 submitters: Uncertain significance (2). Last evaluated 2023-12-18.

Allele frequency attached by ClinVar (database versions not stated): gnomAD 0.00003; gnomAD exomes 0.00003; TOPMed 0.00003; ExAC 0.00004.
gnomAD v4.1: 54 of 1,603,410 alleles (0.0034%); highest among the groups gnomAD compares: Admixed American, 0.0052%; 1 homozygote.

Submissions (2):

Ambry Genetics
Classification: Uncertain significance. Last evaluated: 2023-12-18. Review status: criteria provided, single submitter. Criteria: Ambry Variant Classification Scheme 2023. Collection method: clinical testing. Allele origin: germline.

Labcorp Genetics (formerly Invitae), Labcorp
Classification: Uncertain significance. Last evaluated: 2023-05-20. Review status: criteria provided, single submitter. Criteria: Invitae Variant Classification Sherloc (09022015). Collection method: clinical testing. Allele origin: germline.
Comment: In summary, the available evidence is currently insufficient to determine the role of this variant in disease. Therefore, it has been classified as a Variant of Uncertain Significance. Algorithms developed to predict the effect of sequence changes on RNA splicing suggest that this variant may create or strengthen a splice site. An algorithm developed to predict the effect of missense changes on protein structure and function (PolyPhen-2) suggests that this variant is likely to be disruptive. This variant has not been reported in the literature in individuals affected with NUP205-related conditions. This variant is present in population databases (rs749638067, gnomAD 0.01%). This sequence change replaces arginine, which is basic and polar, with cysteine, which is neutral and slightly polar, at codon 1179 of the NUP205 protein (p.Arg1179Cys).